The following is an entry in ClinVar:

ClinVar aggregate classification (germline): Conflicting classifications of pathogenicity. Review status: criteria provided, conflicting classifications (1 of 4 stars). 2 submissions from 2 submitters: Uncertain significance (1); Likely benign (1). Last evaluated 2024-02-11.

Conditions:
Charcot-Marie-Tooth disease axonal type 2O. Also called: CHARCOT-MARIE-TOOTH NEUROPATHY, AXONAL, TYPE 2O; CHARCOT-MARIE-TOOTH DISEASE, AXONAL, AUTOSOMAL DOMINANT, TYPE 2O; Charcot-Marie-Tooth Neuropathy Type 2O; Charcot-Marie-Tooth disease, axonal, type 20. Identifiers: Orphanet 284232, MedGen C3280220, MONDO:0013644, OMIM 614228.

Allele frequency attached by ClinVar (database versions not stated): gnomAD exomes below 0.00001 and 0.00002; TOPMed below 0.00001; ExAC 0.00001; gnomAD 0.00001.
gnomAD v4.1: 33 of 1,612,616 alleles (0.002%); highest among the groups gnomAD compares: Non-Finnish European, 0.0027%; no homozygotes.

Submissions (2):

Labcorp Genetics (formerly Invitae), Labcorp
Classification: Likely benign for Charcot-Marie-Tooth disease axonal type 2O. Last evaluated: 2024-02-11. Review status: criteria provided, single submitter. Criteria: Invitae Variant Classification Sherloc (09022015). Collection method: clinical testing. Allele origin: germline.

GeneDx
Classification: Uncertain significance. Last evaluated: 2022-01-18. Review status: criteria provided, single submitter. Criteria: GeneDx Variant Classification Process June 2021. Collection method: clinical testing. Allele origin: germline. Affected: yes.
Comment: In silico analysis supports that this missense variant has a deleterious effect on protein structure/function; In silico analysis supports a deleterious effect on splicing; Has not been previously published as pathogenic or benign to our knowledge; This variant is associated with the following publications: (PMID: 26100331, 25609763, 25512093)

NM_001376.5(DYNC1H1):c.10751A>G (p.Asn3584Ser)

Gene: DYNC1H1 (dynein cytoplasmic 1 heavy chain 1; plus strand). Cytogenetic location: 14q32.31.
Variant type: single nucleotide variant.
Coding change: c.10751A>G on transcript NM_001376.5 (MANE Select); coding-DNA position 10751, A replaced by G.
Protein change: p.Asn3584Ser; replaces asparagine 3584 with serine.
Molecular consequence: missense variant.
Genome position (GRCh38, 1-based): chr14:102,034,449, A>G. VCF-style: chr14-102034449-A-G. GRCh37 (hg19) VCF-style: chr14-102500786-A-G.
Other names: short protein forms N3584S.
Identifiers: ClinVar variation 664997 (VCV000664997.10), dbSNP rs774439464, ClinGen allele CA7353466.